The following is an entry in ClinVar:

NM_022841.7(RFX7):c.2327G>C (p.Ser776Thr)

Gene: RFX7 (regulatory factor X7; minus strand). Cytogenetic location: 15q21.3.
Variant type: single nucleotide variant.
Coding change: c.2327G>C on transcript NM_022841.7 (MANE Select); coding-DNA position 2327, G replaced by C.
Protein change: p.Ser776Thr; replaces serine 776 with threonine.
Molecular consequence: missense variant.
Genome position (GRCh38, 1-based): chr15:56,095,401, C>G on the plus strand (G>C on the coding strand, the complement: RFX7 is on the minus strand). VCF-style: chr15-56095401-C-G. GRCh37 (hg19) VCF-style: chr15-56387599-C-G.
Other names: c.2036G>C, p.Ser679Thr (NM_001368073.2, NM_001368074.1, NM_001370554.1); c.2327G>C, p.Ser776Thr (NM_001370561.1); short protein forms S679T, S776T.
Identifiers: ClinVar variation 5037089 (VCV005037089.1).

ClinVar aggregate classification (germline): Uncertain significance (1 of 4 stars; one submission).

Submission:

GeneDx
Classification: Uncertain significance. Last evaluated: 2026-04-14. Review status: criteria provided, single submitter. Criteria: GeneDx Variant Classification Process June 2021. Collection method: clinical testing. Allele origin: germline.
Comment: Not observed at significant frequency in large population cohorts (gnomAD); In silico analysis suggests that this missense variant does not alter protein structure/function; Has not been previously published as pathogenic or benign to our knowledge